The following is an entry in ClinVar:

NM_001358921.2(COQ2):c.1010G>A (p.Arg337Gln)

Gene: COQ2 (coenzyme Q2, polyprenyltransferase; minus strand). Cytogenetic location: 4q21.23.
Variant type: single nucleotide variant.
Coding change: c.1010G>A on transcript NM_001358921.2 (MANE Select); coding-DNA position 1010, G replaced by A.
Protein change: p.Arg337Gln; replaces arginine 337 with glutamine.
Molecular consequence: missense variant.
Genome position (GRCh38, 1-based): chr4:83,264,305, C>T on the plus strand (G>A on the coding strand, the complement: COQ2 is on the minus strand). VCF-style: chr4-83264305-C-T. GRCh37 (hg19) VCF-style: chr4-84185458-C-T.
Other names: c.1160G>A, p.Arg387Gln (NM_015697.9); short protein forms R387Q.
Identifiers: ClinVar variation 60539 (VCV000060539.6), dbSNP rs763562410, ClinGen allele CA213078.

ClinVar aggregate classification (germline): Uncertain significance. Review status: criteria provided, single submitter (1 of 4 stars). 2 submissions from 2 submitters: Uncertain significance (1). 1 of the submissions does not count toward it. Last evaluated 2022-09-19.

Conditions:
Multiple system atrophy (MSA). Also called: Shy-Drager syndrome. Identifiers: Orphanet 102, MedGen C0393571, MONDO:0007803.

Allele frequency attached by ClinVar (database versions not stated): ExAC 0.00001; gnomAD exomes 0.00002.

Submissions (2):

Labcorp Genetics (formerly Invitae), Labcorp
Classification: Uncertain significance. Last evaluated: 2022-09-19. Review status: criteria provided, single submitter. Criteria: Invitae Variant Classification Sherloc (09022015). Collection method: clinical testing. Allele origin: germline.
Comment: This sequence change replaces arginine, which is basic and polar, with glutamine, which is neutral and polar, at codon 387 of the COQ2 protein (p.Arg387Gln). This variant is present in population databases (rs763562410, gnomAD 0.01%). This variant has not been reported in the literature in individuals affected with COQ2-related conditions. ClinVar contains an entry for this variant (Variation ID: 60539). Advanced modeling of protein sequence and biophysical properties (such as structural, functional, and spatial information, amino acid conservation, physicochemical variation, residue mobility, and thermodynamic stability) performed at Invitae indicates that this missense variant is not expected to disrupt COQ2 protein function. Experimental studies have shown that this missense change affects COQ2 function (PMID: 23758206). In summary, the available evidence is currently insufficient to determine the role of this variant in disease. Therefore, it has been classified as a Variant of Uncertain Significance.

OMIM
Classification: risk factor for MULTIPLE SYSTEM ATROPHY 1, SUSCEPTIBILITY TO. Last evaluated: 2013-07-18. Review status: no assertion criteria provided. Collection method: literature only. Allele origin: germline. Not counted in ClinVar's aggregate classification.

Literature cited by the submitters: PubMed 23758206 (cited by Labcorp Genetics (formerly Invitae), Labcorp and OMIM).